The following is an entry in ClinVar:

ClinVar aggregate classification (germline): Uncertain significance. Review status: criteria provided, multiple submitters, no conflicts (2 of 4 stars). 2 submissions from 2 submitters: Uncertain significance (2). Last evaluated 2022-07-25.

Conditions:
Myoclonic epilepsy, juvenile, susceptibility to, 1. Also called: Myoclonic Epilepsy, Juvenile, 1; EJM1. Identifiers: MedGen C1850778, MONDO:0020752, OMIM 254770.
Absence seizure. Also called: Absence epilepsy. Identifiers: Orphanet 1941, MedGen C0014553.

Allele frequency attached by ClinVar (database versions not stated): TOPMed below 0.00001; ExAC 0.00001; gnomAD 0.00001; gnomAD exomes 0.00002.
gnomAD v4.1: 55 of 1,613,692 alleles (0.0034%); highest among the groups gnomAD compares: East Asian, 0.0045%; no homozygotes.

Submissions (2):

Labcorp Genetics (formerly Invitae), Labcorp
Classification: Uncertain significance for Myoclonic epilepsy, juvenile, susceptibility to, 1; Absence seizure. Last evaluated: 2022-07-25. Review status: criteria provided, single submitter. Criteria: Invitae Variant Classification Sherloc (09022015). Collection method: clinical testing. Allele origin: germline.
Comment: Algorithms developed to predict the effect of missense changes on protein structure and function are either unavailable or do not agree on the potential impact of this missense change (SIFT: "Deleterious"; PolyPhen-2: "Benign"; Align-GVGD: "Class C15"). In summary, the available evidence is currently insufficient to determine the role of this variant in disease. Therefore, it has been classified as a Variant of Uncertain Significance. ClinVar contains an entry for this variant (Variation ID: 205394). This variant has not been reported in the literature in individuals affected with EFHC1-related conditions. This variant is present in population databases (rs779993809, gnomAD 0.002%). This sequence change replaces threonine, which is neutral and polar, with isoleucine, which is neutral and non-polar, at codon 23 of the EFHC1 protein (p.Thr23Ile).

GeneDx
Classification: Uncertain significance. Last evaluated: 2014-02-04. Review status: criteria provided, single submitter. Criteria: GeneDx Variant Classification (06012015). Collection method: clinical testing. Allele origin: germline. Affected: yes.
Comment: p.Thr23Ile (ACA>ATA): c.68 C>T in exon 2 of the EFHC1 gene (NM_018100.3). The Thr23Ile missense change in the EFHC1 gene has not been published as a mutation, nor has it been reported as a benign polymorphism to our knowledge. It was not observed in approximately 6,500 individuals of European and African American ancestry in the NHLBI Exome Sequencing Project, indicating it is not a common benign variant in these populations. This variant is a non-conservative amino acid substitution of a polar Threonine residue with a non-polar Isoleucine residue. However, it alters a position that is not conserved across species, and Isoleucine is observed at this position in recent evolution in one other mammalian species. In silico analysis is inconsistent with regard to the effect this variant may have on the protein structure/function. Therefore, based on the currently available information, it is unclear whether Thr23Ile is a disease-causing mutation or a rare benign variant. The variant is found in EPILEPSY panel(s).

NM_018100.4(EFHC1):c.68C>T (p.Thr23Ile)

Gene: EFHC1 (EF-hand domain containing 1; plus strand). Cytogenetic location: 6p12.2.
Variant type: single nucleotide variant.
Coding change: c.68C>T on transcript NM_018100.4 (MANE Select); coding-DNA position 68, C replaced by T.
Protein change: p.Thr23Ile; replaces threonine 23 with isoleucine.
Molecular consequence: missense variant. On other transcripts: non-coding transcript variant (1).
Genome position (GRCh38, 1-based): chr6:52,423,950, C>T. VCF-style: chr6-52423950-C-T. GRCh37 (hg19) VCF-style: chr6-52288748-C-T.
Other names: p.T23I:ACA>ATA; c.11C>T, p.Thr4Ile (NM_001172420.2); short protein forms T23I, T4I.
Identifiers: ClinVar variation 205394 (VCV000205394.11), dbSNP rs779993809, ClinGen allele CA314424.